The following is an entry in ClinVar:

ClinVar aggregate classification (germline): Uncertain significance (1 of 4 stars; one submission).

Allele frequency attached by ClinVar (database versions not stated): TOPMed 0.00004; gnomAD exomes 0.00003; gnomAD 0.00005; ExAC 0.00003; ESP Exome Variant Server 0.00008.
gnomAD v4.1: 52 of 1,614,052 alleles (0.0032%); highest among the groups gnomAD compares: Non-Finnish European, 0.004%; no homozygotes.

Submission:

Ambry Genetics
Classification: Uncertain significance. Last evaluated: 2025-10-22. Review status: criteria provided, single submitter. Criteria: Ambry Variant Classification Scheme 2023. Collection method: clinical testing. Allele origin: germline.
Comment: The c.3604G>A (p.E1202K) alteration is located in exon 3 (coding exon 2) of the KIAA1462 gene. This alteration results from a G to A substitution at nucleotide position 3604, causing the glutamic acid (E) at amino acid position 1202 to be replaced by a lysine (K). Based on data from gnomAD, the A allele has an overall frequency of 0.004% (11/280940) total alleles studied. The highest observed frequency was 0.008% (10/128708) of European (non-Finnish) alleles. Based on insufficient or conflicting evidence, the clinical significance of this alteration remains unclear.

NM_020848.4(JCAD):c.3604G>A (p.Glu1202Lys)

Gene: JCAD (junctional cadherin 5 associated; minus strand). Cytogenetic location: 10p11.23.
Variant type: single nucleotide variant.
Coding change: c.3604G>A on transcript NM_020848.4 (MANE Select); coding-DNA position 3604, G replaced by A.
Protein change: p.Glu1202Lys; replaces glutamic acid 1202 with lysine.
Molecular consequence: missense variant.
Genome position (GRCh38, 1-based): chr10:30,026,544, C>T on the plus strand (G>A on the coding strand, the complement: JCAD is on the minus strand). VCF-style: chr10-30026544-C-T. GRCh37 (hg19) VCF-style: chr10-30315473-C-T.
Other names: c.3190G>A, p.Glu1064Lys (NM_001350001.2, NM_001350021.2); c.3604G>A, p.Glu1202Lys (NM_001350022.2); short protein forms E1064K, E1202K.
Identifiers: ClinVar variation 2509907 (VCV002509907.3), dbSNP rs368497057, ClinGen allele CA5458102.